The following is an entry in ClinVar:

NM_015102.5(NPHP4):c.3910C>T (p.His1304Tyr)

Gene: NPHP4 (nephrocystin 4; minus strand). Cytogenetic location: 1p36.31.
Variant type: single nucleotide variant.
Coding change: c.3910C>T on transcript NM_015102.5 (MANE Select); coding-DNA position 3910, C replaced by T.
Protein change: p.His1304Tyr; replaces histidine 1304 with tyrosine.
Molecular consequence: missense variant. On other transcripts: non-coding transcript variant (1).
Genome position (GRCh38, 1-based): chr1:5,864,424, G>A on the plus strand (C>T on the coding strand, the complement: NPHP4 is on the minus strand). VCF-style: chr1-5864424-G-A. GRCh37 (hg19) VCF-style: chr1-5924484-G-A.
Other names: c.2371C>T, p.His791Tyr (NM_001291593.2); c.2374C>T, p.His792Tyr (NM_001291594.2); short protein forms H1304Y, H792Y, H791Y.
Identifiers: ClinVar variation 1481858 (VCV001481858.8), dbSNP rs1483940500, ClinGen allele CA338049735.
Genomic context (GRCh38, chr1:5,864,424, plus strand): 5'-AGAGGCACACGAGCCAGGAGGCCACCAGCTGGTGGCAATCCACGTCCACCAGGTTGAGAT[G>A]GACAAAGCGGCTGCCGGCCCTAAGGGGCCTCACGCCAACATGCAGGTCCTGCACCCCACG-3'
Protein context (NP_055917.1, residues 1294-1314): RPLRAGSRFV[His1304Tyr]LNLVDVDCHQ

ClinVar aggregate classification (germline): Uncertain significance (1 of 4 stars; one submission).

Conditions:
Nephronophthisis. Also called: Juvenile Nephronophthisis. Identifiers: Orphanet 655, MedGen C0687120, MONDO:0019005, HP:0000090.

Allele frequency attached by ClinVar (database versions not stated): gnomAD exomes below 0.00001; gnomAD 0.00001.
gnomAD v4.1: 2 of 1,611,026 alleles (0.00012%); highest among the groups gnomAD compares: African/African-American, 0.0027%; no homozygotes.

Submission:

Labcorp Genetics (formerly Invitae), Labcorp
Classification: Uncertain significance for Nephronophthisis. Last evaluated: 2020-12-28. Review status: criteria provided, single submitter. Criteria: Invitae Variant Classification Sherloc (09022015). Collection method: clinical testing. Allele origin: germline.
Comment: In summary, the available evidence is currently insufficient to determine the role of this variant in disease. Therefore, it has been classified as a Variant of Uncertain Significance. Algorithms developed to predict the effect of missense changes on protein structure and function output the following: SIFT: "Tolerated"; PolyPhen-2: "Benign"; Align-GVGD: "Class C0". The tyrosine amino acid residue is found in multiple mammalian species, suggesting that this missense change does not adversely affect protein function. These predictions have not been confirmed by published functional studies and their clinical significance is uncertain. This variant has not been reported in the literature in individuals with NPHP4-related conditions. This variant is not present in population databases (ExAC no frequency). This sequence change replaces histidine with tyrosine at codon 1304 of the NPHP4 protein (p.His1304Tyr). The histidine residue is moderately conserved and there is a moderate physicochemical difference between histidine and tyrosine.